The following is an entry in ClinVar:

NM_177438.3(DICER1):c.1954A>G (p.Lys652Glu)

Gene: DICER1 (dicer 1, ribonuclease III; minus strand). Cytogenetic location: 14q32.13.
Variant type: single nucleotide variant.
Coding change: c.1954A>G on transcript NM_177438.3 (MANE Select); coding-DNA position 1954, A replaced by G.
Protein change: p.Lys652Glu; replaces lysine 652 with glutamic acid.
Molecular consequence: missense variant.
Genome position (GRCh38, 1-based): chr14:95,113,178, T>C on the plus strand (A>G on the coding strand, the complement: DICER1 is on the minus strand). VCF-style: chr14-95113178-T-C. GRCh37 (hg19) VCF-style: chr14-95579515-T-C.
Other names: c.1954A>G, p.Lys652Glu (NM_001195573.1, NM_001271282.3, NM_001291628.2 and 1 more transcripts); short protein forms K652E.
Identifiers: ClinVar variation 651470 (VCV000651470.11), dbSNP rs1339343858, ClinGen allele CA390883399.
Genomic context (GRCh38, chr14:95,113,178, plus strand): 5'-TAATTGGCAGATAAAGAGTTGAATAAAATGTACCATCAGGCAACTCTCGGGTTCTGCATT[T>C]AGGAGCTAGATGAGTAAACGGATCACTTGGTAATCTAGCACAGTATCTGTGAAGAAAAAG-3'
Protein context (NP_803187.1, residues 642-662): PSDPFTHLAP[Lys652Glu]CRTRELPDGT

ClinVar aggregate classification (germline): Uncertain significance. Review status: criteria provided, multiple submitters, no conflicts (2 of 4 stars). 2 submissions from 2 submitters: Uncertain significance (2). Last evaluated 2024-03-08.

Conditions:
DICER1-related tumor predisposition. Also called: DICER1-related pleuropulmonary blastoma cancer predisposition syndrome; DICER1 syndrome. Identifiers: Orphanet 284343, MedGen C3839822, MONDO:0100216.
Hereditary cancer-predisposing syndrome. Also called: Hereditary Cancer Syndrome; Tumor predisposition; Neoplastic Syndromes, Hereditary; Hereditary neoplastic syndrome. Identifiers: Orphanet 140162, MedGen C0027672, MeSH D009386, MONDO:0015356.

Allele frequency attached by ClinVar (database versions not stated): TOPMed below 0.00001.

Submissions (2):

Ambry Genetics
Classification: Uncertain significance for Hereditary cancer-predisposing syndrome. Last evaluated: 2024-03-08. Review status: criteria provided, single submitter. Criteria: Ambry Variant Classification Scheme 2023. Collection method: clinical testing. Allele origin: germline.
Comment: The p.K652E variant (also known as c.1954A>G), located in coding exon 11 of the DICER1 gene, results from an A to G substitution at nucleotide position 1954. The lysine at codon 652 is replaced by glutamic acid, an amino acid with similar properties. This amino acid position is highly conserved in available vertebrate species. In addition, the in silico prediction for this alteration is inconclusive. Based on the available evidence, the clinical significance of this alteration remains unclear.

Labcorp Genetics (formerly Invitae), Labcorp
Classification: Uncertain significance for DICER1-related tumor predisposition. Last evaluated: 2021-08-27. Review status: criteria provided, single submitter. Criteria: Invitae Variant Classification Sherloc (09022015). Collection method: clinical testing. Allele origin: germline.
Comment: This sequence change replaces lysine with glutamic acid at codon 652 of the DICER1 protein (p.Lys652Glu). The lysine residue is highly conserved and there is a small physicochemical difference between lysine and glutamic acid. This variant is not present in population databases (ExAC no frequency). This variant has not been reported in the literature in individuals affected with DICER1-related conditions. Algorithms developed to predict the effect of missense changes on protein structure and function are either unavailable or do not agree on the potential impact of this missense change (SIFT: "Deleterious"; PolyPhen-2: "Probably Damaging"; Align-GVGD: "Class C0"). In summary, the available evidence is currently insufficient to determine the role of this variant in disease. Therefore, it has been classified as a Variant of Uncertain Significance.